The following is an entry in ClinVar:

NM_000245.4(MET):c.427C>T (p.Arg143Ter)

Gene: MET (MET proto-oncogene, receptor tyrosine kinase; plus strand). Cytogenetic location: 7q31.2.
Variant type: single nucleotide variant.
Coding change: c.427C>T on transcript NM_000245.4 (MANE Select); coding-DNA position 427, C replaced by T.
Protein change: p.Arg143Ter; replaces arginine 143 with a stop codon.
Molecular consequence: nonsense. On other transcripts: intron variant (1).
Genome position (GRCh38, 1-based): chr7:116,699,511, C>T. VCF-style: chr7-116699511-C-T. GRCh37 (hg19) VCF-style: chr7-116339565-C-T.
Other names: c.427C>T, p.Arg143Ter (NM_001127500.3, NM_001324401.3); c.-91+26934C>T (NM_001324402.2); short protein forms R143*.
Identifiers: ClinVar variation 524853 (VCV000524853.12), dbSNP rs779093896, ClinGen allele CA4447990.

ClinVar aggregate classification (germline): Uncertain significance. Review status: criteria provided, multiple submitters, no conflicts (2 of 4 stars). 2 submissions from 2 submitters: Uncertain significance (2). Last evaluated 2026-01-10.

Conditions:
Renal cell carcinoma. Identifiers: Orphanet 217071, MedGen C0007134, MeSH D002292, MONDO:0005086, HP:0005584.
Hereditary cancer-predisposing syndrome. Also called: Neoplastic Syndromes, Hereditary; Hereditary neoplastic syndrome; Tumor predisposition; Hereditary Cancer Syndrome. Identifiers: Orphanet 140162, MedGen C0027672, MeSH D009386, MONDO:0015356.

Allele frequency attached by ClinVar (database versions not stated): gnomAD exomes below 0.00001 and 0.00001; ExAC 0.00001.
gnomAD v4.1: 5 of 1,613,966 alleles (0.00031%); highest among the groups gnomAD compares: East Asian, 0.0022%; no homozygotes.

Submissions (2):

Labcorp Genetics (formerly Invitae), Labcorp
Classification: Uncertain significance for Renal cell carcinoma. Last evaluated: 2026-01-10. Review status: criteria provided, single submitter. Criteria: Invitae Variant Classification Sherloc (09022015). Collection method: clinical testing. Allele origin: germline.
Comment: This sequence change creates a premature translational stop signal (p.Arg143*) in the MET gene. It is expected to result in an absent or disrupted protein product. However, the current clinical and genetic evidence is not sufficient to establish whether loss-of-function variants in MET cause disease. This variant is present in population databases (rs779093896, gnomAD 0.006%). This variant has not been reported in the literature in individuals affected with MET-related conditions. ClinVar contains an entry for this variant (Variation ID: 524853). In summary, the available evidence is currently insufficient to determine the role of this variant in disease. Therefore, it has been classified as a Variant of Uncertain Significance.

Ambry Genetics
Classification: Uncertain significance for Hereditary cancer-predisposing syndrome. Last evaluated: 2025-05-05. Review status: criteria provided, single submitter. Criteria: Ambry Variant Classification Scheme 2023. Collection method: clinical testing. Allele origin: germline.
Comment: The p.R143* variant (also known as c.427C>T), located in coding exon 1 of the MET gene, results from a C to T substitution at nucleotide position 427. This changes the amino acid from an arginine to a stop codon within coding exon 1. This alteration is expected to result in protein truncation or nonsense-mediated mRNA decay. However, loss of function of MET has not been established as a mechanism of disease. Based on the available evidence, the clinical significance of this alteration remains unclear.